The following is an entry in ClinVar:

NM_005505.5(SCARB1):c.830C>T (p.Pro277Leu)

Gene: SCARB1 (scavenger receptor class B member 1; minus strand). Cytogenetic location: 12q24.31.
Variant type: single nucleotide variant.
Coding change: c.830C>T on transcript NM_005505.5 (MANE Select); coding-DNA position 830, C replaced by T.
Protein change: p.Pro277Leu; replaces proline 277 with leucine.
Molecular consequence: missense variant. On other transcripts: non-coding transcript variant (6), intron variant (1).
Genome position (GRCh38, 1-based): chr12:124,810,186, G>A on the plus strand (C>T on the coding strand, the complement: SCARB1 is on the minus strand). VCF-style: chr12-124810186-G-A. GRCh37 (hg19) VCF-style: chr12-125294732-G-A.
Other names: c.830C>T, p.Pro277Leu (NM_001082959.2, NM_001367981.1, NM_001367983.1 and 4 more transcripts); c.707C>T, p.Pro236Leu (NM_001367982.1); c.806C>T, p.Pro269Leu (NM_001367985.1); c.726+1684C>T (NM_001367988.1); short protein forms P269L, P277L, P236L.
Identifiers: ClinVar variation 1348712 (VCV001348712.6), dbSNP rs1469583262, ClinGen allele CA387203905.

ClinVar aggregate classification (germline): Uncertain significance (1 of 4 stars; one submission).

Allele frequency attached by ClinVar (database versions not stated): gnomAD exomes below 0.00001 and 0.00001.
gnomAD v4.1: 12 of 1,611,882 alleles (0.00074%); highest among the groups gnomAD compares: African/African-American, 0.0013%; no homozygotes.

Submission:

Labcorp Genetics (formerly Invitae), Labcorp
Classification: Uncertain significance. Last evaluated: 2025-12-07. Review status: criteria provided, single submitter. Criteria: Invitae Variant Classification Sherloc (09022015). Collection method: clinical testing. Allele origin: germline.
Comment: This sequence change replaces proline, which is neutral and non-polar, with leucine, which is neutral and non-polar, at codon 277 of the SCARB1 protein (p.Pro277Leu). This variant is present in population databases (no rsID available, gnomAD 0.0009%). This variant has not been reported in the literature in individuals affected with SCARB1-related conditions. ClinVar contains an entry for this variant (Variation ID: 1348712). Invitae Evidence Modeling of protein sequence and biophysical properties (such as structural, functional, and spatial information, amino acid conservation, physicochemical variation, residue mobility, and thermodynamic stability) indicates that this missense variant is expected to disrupt SCARB1 protein function with a positive predictive value of 80%. In summary, the available evidence is currently insufficient to determine the role of this variant in disease. Therefore, it has been classified as a Variant of Uncertain Significance.